The following is an entry in ClinVar:

ClinVar aggregate classification (germline): Uncertain significance (1 of 4 stars; one submission).

Conditions:
Glycogen storage disease IXa1. Also called: Glycogen storage disease 8; LIVER GLYCOGENOSIS, X-LINKED, TYPE I; GLYCOGEN STORAGE DISEASE VIII; GSD VIII. Identifiers: Orphanet 264580, MedGen C3694531, MONDO:0010598, OMIM 306000.

Submission:

Labcorp Genetics (formerly Invitae), Labcorp
Classification: Uncertain significance for Glycogen storage disease IXa1. Last evaluated: 2024-09-12. Review status: criteria provided, single submitter. Criteria: Invitae Variant Classification Sherloc (09022015). Collection method: clinical testing. Allele origin: germline.
Comment: This sequence change replaces glutamic acid, which is acidic and polar, with lysine, which is basic and polar, at codon 1117 of the PHKA2 protein (p.Glu1117Lys). This variant is not present in population databases (gnomAD no frequency). This missense change has been observed in individual(s) with X-linked liver glycogenosis (PMID: 21646031). Invitae Evidence Modeling of protein sequence and biophysical properties (such as structural, functional, and spatial information, amino acid conservation, physicochemical variation, residue mobility, and thermodynamic stability) has been performed for this missense variant. However, the output from this modeling did not meet the statistical confidence thresholds required to predict the impact of this variant on PHKA2 protein function. In summary, the available evidence is currently insufficient to determine the role of this variant in disease. Therefore, it has been classified as a Variant of Uncertain Significance.

Literature cited by the submitters: PubMed 21646031.

NM_000292.3(PHKA2):c.3349G>A (p.Glu1117Lys)

Genes: PHKA2-AS1 (PHKA2 antisense RNA 1; plus strand), PHKA2 (phosphorylase kinase regulatory subunit alpha 2; minus strand). Cytogenetic location: Xp22.13.
Variant type: single nucleotide variant.
Coding change: c.3349G>A on transcript NM_000292.3 (MANE Select); coding-DNA position 3349, G replaced by A.
Protein change: p.Glu1117Lys; replaces glutamic acid 1117 with lysine.
Molecular consequence: missense variant. On other transcripts: non-coding transcript variant (1).
Genome position (GRCh38, 1-based): chrX:18,894,392, C>T on the plus strand (G>A on the coding strand, the complement: PHKA2 is on the minus strand). VCF-style: chrX-18894392-C-T. GRCh37 (hg19) VCF-style: chrX-18912510-C-T.
Other names: short protein forms E1117K.
Identifiers: ClinVar variation 3724088 (VCV003724088.2).
Genomic context (GRCh38, chrX:18,894,392, plus strand): 5'-GGTACTCGGGCTGCGGCACGCGGTTCAGCACCGATTCGACATGGACAGCAAACTTGATCT[C>T]ATGCGGGGTCATCTACCAAAGGGACAGGCAGGCAACCACCAGTGAGAGGACAGATGCAGC-3'
Protein context (NP_000283.1, residues 1107-1127): SSTTREMTPH[Glu1117Lys]IKFAVHVESV